The following is an entry in ClinVar:

NM_012210.4(TRIM32):c.1082T>C (p.Met361Thr)

Genes: ASTN2 (astrotactin 2; minus strand), TRIM32 (tripartite motif containing 32; plus strand). Cytogenetic location: 9q33.1.
Variant type: single nucleotide variant.
Coding change: c.1082T>C on transcript NM_012210.4 (MANE Select); coding-DNA position 1082, T replaced by C.
Protein change: p.Met361Thr; replaces methionine 361 with threonine.
Molecular consequence: missense variant. On other transcripts: intron variant (3).
Genome position (GRCh38, 1-based): chr9:116,698,824, T>C. VCF-style: chr9-116698824-T-C. GRCh37 (hg19) VCF-style: chr9-119461103-T-C.
Other names: c.1082T>C, p.Met361Thr (NM_001099679.2, NM_001379048.1, NM_001379049.1 and 1 more transcripts); c.2653+26947A>G (NM_014010.5); c.2794+26947A>G (NM_001365069.1); c.2806+26947A>G (NM_001365068.1); short protein forms M361T.
Identifiers: ClinVar variation 3389767 (VCV003389767.15).

ClinVar aggregate classification (germline): Uncertain significance. Review status: criteria provided, multiple submitters, no conflicts (2 of 4 stars). 2 submissions from 2 submitters: Uncertain significance (2). Last evaluated 2025-10-10.

Conditions:
TRIM32-related disorder. Also called: TRIM32-related condition.

gnomAD v4.1: 5 of 1,614,058 alleles (0.00031%); highest among the groups gnomAD compares: Non-Finnish European, 0.00042%; no homozygotes.

Submissions (2):

PreventionGenetics, part of Exact Sciences
Classification: Uncertain significance for TRIM32-related condition. Last evaluated: 2025-10-10. Review status: criteria provided, single submitter. Criteria: ACMG Guidelines, 2015. Collection method: clinical testing. Allele origin: germline.
Comment: The TRIM32 c.1082T>C variant is predicted to result in the amino acid substitution p.Met361Thr. To our knowledge, this variant has not been reported in the literature or in a large population database (gnomAD), indicating this variant is rare. At this time, the clinical significance of this variant is uncertain due to the absence of conclusive functional and genetic evidence.

CeGaT Center for Human Genetics Tuebingen
Classification: Uncertain significance. Last evaluated: 2024-09-01. Review status: criteria provided, single submitter. Criteria: CeGaT Center For Human Genetics Tuebingen Variant Classification Criteria Version 2. Collection method: clinical testing. Allele origin: germline. Affected: yes. Observed: 1 variant allele.
Comment: TRIM32: PM2